The following is an entry in ClinVar:

NM_001759.4(CCND2):c.858T>G (p.Asp286Glu)

Gene: CCND2 (cyclin D2; plus strand). Cytogenetic location: 12p13.32.
Variant type: single nucleotide variant.
Coding change: c.858T>G on transcript NM_001759.4 (MANE Select); coding-DNA position 858, T replaced by G.
Protein change: p.Asp286Glu; replaces aspartic acid 286 with glutamic acid.
Molecular consequence: missense variant.
Genome position (GRCh38, 1-based): chr12:4,299,997, T>G. VCF-style: chr12-4299997-T-G. GRCh37 (hg19) VCF-style: chr12-4409163-T-G.
Other names: c.858T>G (NM_001759.3); short protein forms D286E.
Identifiers: ClinVar variation 2782373 (VCV002782373.4), dbSNP rs2497527687, ClinGen allele CA383413823.
Genomic context (GRCh38, chr12:4,299,997, plus strand): 5'-TGACGGATCCAAGTCGGAGGATGAACTGGACCAAGCCAGCACCCCTACAGACGTGCGGGA[T>G]ATCGACCTGTGAGGATGCCAGTTGGGCCGAAAGAGAGAGACGCGTCCATAATCTGGTCTC-3'
Protein context (NP_001750.1, residues 276-289): DQASTPTDVR[Asp286Glu]IDL

ClinVar aggregate classification (germline): Uncertain significance. Review status: criteria provided, multiple submitters, no conflicts (2 of 4 stars). 2 submissions from 2 submitters: Uncertain significance (2). Last evaluated 2026-07-03.

Conditions:
Inborn genetic diseases. Identifiers: MedGen C0950123, MeSH D030342.

Submissions (2):

Ambry Genetics
Classification: Uncertain significance for Inborn genetic diseases. Last evaluated: 2026-07-03. Review status: criteria provided, single submitter. Criteria: Ambry Variant Classification Scheme 2023. Collection method: clinical testing. Allele origin: germline.

Labcorp Genetics (formerly Invitae), Labcorp
Classification: Uncertain significance. Last evaluated: 2023-04-06. Review status: criteria provided, single submitter. Criteria: Invitae Variant Classification Sherloc (09022015). Collection method: clinical testing. Allele origin: germline.
Comment: Algorithms developed to predict the effect of missense changes on protein structure and function output the following: SIFT: "Not Available"; PolyPhen-2: "Benign"; Align-GVGD: "Not Available". The glutamic acid amino acid residue is found in multiple mammalian species, which suggests that this missense change does not adversely affect protein function. This sequence change replaces aspartic acid, which is acidic and polar, with glutamic acid, which is acidic and polar, at codon 286 of the CCND2 protein (p.Asp286Glu). This variant is not present in population databases (gnomAD no frequency). This variant has not been reported in the literature in individuals affected with CCND2-related conditions. In summary, the available evidence is currently insufficient to determine the role of this variant in disease. Therefore, it has been classified as a Variant of Uncertain Significance.